The following is an entry in ClinVar:

ClinVar aggregate classification (germline): Uncertain significance. Review status: criteria provided, multiple submitters, no conflicts (2 of 4 stars). 2 submissions from 2 submitters: Uncertain significance (2). Last evaluated 2025-05-07.

Conditions:
Osteogenesis imperfecta type I (OI1). Also called: Lobstein disease; Osteogenesis imperfecta type 1; OI, TYPE I; OSTEOGENESIS IMPERFECTA TARDA; OSTEOGENESIS IMPERFECTA WITH BLUE SCLERAE; Lobstein's Disease. Identifiers: Orphanet 216796, Orphanet 666, MedGen C0023931, MONDO:0008146, OMIM 166200. Disease mechanism: loss of function.

Allele frequency attached by ClinVar (database versions not stated): gnomAD exomes below 0.00001; TOPMed below 0.00001.
gnomAD v4.1: 5 of 1,613,650 alleles (0.00031%); highest among the groups gnomAD compares: Non-Finnish European, 0.00025%; no homozygotes.

Submissions (2):

Labcorp Genetics (formerly Invitae), Labcorp
Classification: Uncertain significance for Osteogenesis imperfecta type I. Last evaluated: 2025-05-07. Review status: criteria provided, single submitter. Criteria: Invitae Variant Classification Sherloc (09022015). Collection method: clinical testing. Allele origin: germline.
Comment: This sequence change replaces glutamic acid, which is acidic and polar, with glutamine, which is neutral and polar, at codon 450 of the COL1A1 protein (p.Glu450Gln). This variant is present in population databases (no rsID available, gnomAD no frequency). This variant has not been reported in the literature in individuals affected with COL1A1-related conditions. ClinVar contains an entry for this variant (Variation ID: 938124). Invitae Evidence Modeling of protein sequence and biophysical properties (such as structural, functional, and spatial information, amino acid conservation, physicochemical variation, residue mobility, and thermodynamic stability) has been performed for this missense variant. However, the output from this modeling did not meet the statistical confidence thresholds required to predict the impact of this variant on COL1A1 protein function. In summary, the available evidence is currently insufficient to determine the role of this variant in disease. Therefore, it has been classified as a Variant of Uncertain Significance.

Mayo Clinic Laboratories, Mayo Clinic
Classification: Uncertain significance. Last evaluated: 2024-02-15. Review status: criteria provided, single submitter. Criteria: ACMG Guidelines, 2015. Collection method: clinical testing. Allele origin: germline. Observed: 1 variant allele.
Comment: PP2, PM2

Literature cited by the submitters: PubMed 27519266 (cited by Mayo Clinic Laboratories, Mayo Clinic).

NM_000088.4(COL1A1):c.1348G>C (p.Glu450Gln)

Gene: COL1A1 (collagen type I alpha 1 chain; minus strand). Cytogenetic location: 17q21.33.
Variant type: single nucleotide variant.
Coding change: c.1348G>C on transcript NM_000088.4 (MANE Select); coding-DNA position 1348, G replaced by C.
Protein change: p.Glu450Gln; replaces glutamic acid 450 with glutamine.
Molecular consequence: missense variant.
Genome position (GRCh38, 1-based): chr17:50,195,052, C>G on the plus strand (G>C on the coding strand, the complement: COL1A1 is on the minus strand). VCF-style: chr17-50195052-C-G. GRCh37 (hg19) VCF-style: chr17-48272413-C-G.
Other names: p.Glu450Gln; short protein forms E450Q.
Identifiers: ClinVar variation 938124 (VCV000938124.11), dbSNP rs896085870, ClinGen allele CA291546500.